The following is an entry in ClinVar:

NM_001042472.3(ABHD12):c.1192C>T (p.His398Tyr)

Gene: ABHD12 (abhydrolase domain containing 12, lysophospholipase; minus strand). Cytogenetic location: 20p11.21.
Variant type: single nucleotide variant.
Coding change: c.1192C>T on transcript NM_001042472.3 (MANE Select); coding-DNA position 1192, C replaced by T.
Protein change: p.His398Tyr; replaces histidine 398 with tyrosine.
Molecular consequence: missense variant. On other transcripts: intron variant (1).
Genome position (GRCh38, 1-based): chr20:25,300,850, G>A on the plus strand (C>T on the coding strand, the complement: ABHD12 is on the minus strand). VCF-style: chr20-25300850-G-A. GRCh37 (hg19) VCF-style: chr20-25281486-G-A.
Other names: c.1157+1369C>T (NM_015600.5); short protein forms H398Y.
Identifiers: ClinVar variation 2152327 (VCV002152327.4), dbSNP rs2088622632, ClinGen allele CA408453727.
Genomic context (GRCh38, chr20:25,300,850, plus strand): 5'-TGGAGGAAAACGGGAGGAGGGCAGAGGTCTTCATGCTTCCTTCCCACGGCCAGGCTCAGT[G>A]CTGGTGCTCAGGCTCCGACTTCCCCAGGAATTCCCTAGACCACAGGACAATCAGGAGCCA-3'
Protein context (NP_001035937.1, residues 388-398): FLGKSEPEHQ[His398Tyr]

ClinVar aggregate classification (germline): Uncertain significance (1 of 4 stars; one submission).

Allele frequency attached by ClinVar (database versions not stated): TOPMed below 0.00001.

Submission:

Labcorp Genetics (formerly Invitae), Labcorp
Classification: Uncertain significance. Last evaluated: 2024-03-04. Review status: criteria provided, single submitter. Criteria: Invitae Variant Classification Sherloc (09022015). Collection method: clinical testing. Allele origin: germline.
Comment: This sequence change replaces histidine, which is basic and polar, with tyrosine, which is neutral and polar, at codon 398 of the ABHD12 protein (p.His398Tyr). This variant is not present in population databases (gnomAD no frequency). This variant has not been reported in the literature in individuals affected with ABHD12-related conditions. ClinVar contains an entry for this variant (Variation ID: 2152327). An algorithm developed to predict the effect of missense changes on protein structure and function (PolyPhen-2) suggests that this variant is likely to be disruptive. In summary, the available evidence is currently insufficient to determine the role of this variant in disease. Therefore, it has been classified as a Variant of Uncertain Significance.